The following is an entry in ClinVar:

NC_000009.12:g.35657822T>A

Gene: RMRP (RNA component of mitochondrial RNA processing endoribonuclease; minus strand). Cytogenetic location: 9p13.3.
Variant type: single nucleotide variant.
Genome position: GRCh38 VCF-style: chr9-35657822-T-A. GRCh37 (hg19) VCF-style: chr9-35657819-T-A.
Identifiers: ClinVar variation 1006077 (VCV001006077.3), dbSNP rs773432147, ClinGen allele CA464450581.

ClinVar aggregate classification (germline): Uncertain significance (1 of 4 stars; one submission).

Conditions:
Anauxetic dysplasia. Identifiers: Orphanet 93347, MedGen C1846796, MONDO:0011773.

Allele frequency attached by ClinVar (database versions not stated): TOPMed 0.00001.
gnomAD v4.1: 11 of 692,774 alleles (0.0016%); highest among the groups gnomAD compares: Non-Finnish European, 0.0023%; no homozygotes.

Submission:

Labcorp Genetics (formerly Invitae), Labcorp
Classification: Uncertain significance for Anauxetic dysplasia. Last evaluated: 2024-09-09. Review status: criteria provided, single submitter. Criteria: Invitae Variant Classification Sherloc (09022015). Collection method: clinical testing. Allele origin: germline.
Comment: This variant occurs in the RMRP gene, which encodes an RNA molecule that does not result in a protein product. This variant is present in population databases (no rsID available, gnomAD 0.002%). This variant has not been reported in the literature in individuals affected with RMRP-related conditions. ClinVar contains an entry for this variant (Variation ID: 1006077). Experimental studies and prediction algorithms are not available or were not evaluated, and the functional significance of this variant is currently unknown. In summary, the available evidence is currently insufficient to determine the role of this variant in disease. Therefore, it has been classified as a Variant of Uncertain Significance.